The following is an entry in ClinVar:

NM_000384.3(APOB):c.6892T>A (p.Leu2298Ile)

Gene: APOB (apolipoprotein B; minus strand). Cytogenetic location: 2p24.1.
Variant type: single nucleotide variant.
Coding change: c.6892T>A on transcript NM_000384.3 (MANE Select); coding-DNA position 6892, T replaced by A.
Protein change: p.Leu2298Ile; replaces leucine 2298 with isoleucine.
Molecular consequence: missense variant.
Genome position (GRCh38, 1-based): chr2:21,009,976, A>T on the plus strand (T>A on the coding strand, the complement: APOB is on the minus strand). VCF-style: chr2-21009976-A-T. GRCh37 (hg19) VCF-style: chr2-21232848-A-T.
Other names: short protein forms L2298I.
Identifiers: ClinVar variation 2141306 (VCV002141306.3), dbSNP rs1663260806, ClinGen allele CA346000366.

ClinVar aggregate classification (germline): Uncertain significance (1 of 4 stars; one submission).

Conditions:
Familial hypobetalipoproteinemia 1. Also called: APOB-Related Familial Hypobetalipoproteinemia; Hypobetalipoproteinemia, normotriglyceridemic; Acanthocytosis with hypobetalipoproteinemia. Identifiers: MedGen C4551990, MONDO:0014252, OMIM 615558.
Hypercholesterolemia, autosomal dominant, type B (FHCL2). Also called: Hyperlipoproteinemia Type IIb; Familial Hypercholesterolemia Type B; APOLIPOPROTEIN B-100, FAMILIAL DEFECTIVE; APOLIPOPROTEIN B-100, FAMILIAL LIGAND-DEFECTIVE; HYPERCHOLESTEROLEMIA, FAMILIAL, DUE TO LIGAND-DEFECTIVE APOLIPOPROTEIN B; APOB-Related Familial Hypercholesterolemia, Autosomal Dominant. Identifiers: MedGen C1704417, MONDO:0007751, OMIM 144010.

Allele frequency attached by ClinVar (database versions not stated): gnomAD exomes below 0.00001; TOPMed below 0.00001.
gnomAD v4.1: 2 of 1,613,846 alleles (0.00012%); highest among the groups gnomAD compares: Admixed American, 0.0033%; no homozygotes.

Submission:

Labcorp Genetics (formerly Invitae), Labcorp
Classification: Uncertain significance for Familial hypobetalipoproteinemia 1; Hypercholesterolemia, autosomal dominant, type B. Last evaluated: 2023-10-16. Review status: criteria provided, single submitter. Criteria: Invitae Variant Classification Sherloc (09022015). Collection method: clinical testing. Allele origin: germline.
Comment: This sequence change replaces leucine, which is neutral and non-polar, with isoleucine, which is neutral and non-polar, at codon 2298 of the APOB protein (p.Leu2298Ile). This variant is not present in population databases (gnomAD no frequency). This variant has not been reported in the literature in individuals affected with APOB-related conditions. ClinVar contains an entry for this variant (Variation ID: 2141306). Advanced modeling of protein sequence and biophysical properties (such as structural, functional, and spatial information, amino acid conservation, physicochemical variation, residue mobility, and thermodynamic stability) performed at Invitae indicates that this missense variant is not expected to disrupt APOB protein function. In summary, the available evidence is currently insufficient to determine the role of this variant in disease. Therefore, it has been classified as a Variant of Uncertain Significance.